The following is an entry in ClinVar:

ClinVar aggregate classification (germline): Uncertain significance (1 of 4 stars; one submission).

Submission:

Women's Health and Genetics/Laboratory Corporation of America, LabCorp
Classification: Uncertain significance. Last evaluated: 2025-11-25. Review status: criteria provided, single submitter. Criteria: LabCorp Variant Classification Summary - May 2015. Collection method: clinical testing. Allele origin: germline.
Comment: Variant summary: AEBP1 c.862+12_862+13delinsT alters a nucleotide located at a position not widely known to affect splicing. Several computational tools predict a significant impact on normal splicing: Three predict the variant no significant impact on splicing. Two predict the variant creates a cryptic 5' donor site. However, these predictions have yet to be confirmed by functional studies. The variant was absent in 1563730 control chromosomes. The available data on variant occurrences in the general population are insufficient to allow any conclusion about variant significance. To our knowledge, no occurrence of c.862+12_862+13delinsT in individuals affected with AEBP1-related conditions and no experimental evidence demonstrating its impact on protein function have been reported. No submitters have cited clinical-significance assessments for this variant to ClinVar. Based on the evidence outlined above, the variant was classified as uncertain significance.

NM_001129.5(AEBP1):c.862+12_862+13delinsT

Gene: AEBP1 (AE binding protein 1; plus strand). Cytogenetic location: 7p13.
Variant type: Indel.
Coding change: c.862+12_862+13delinsT on transcript NM_001129.5 (MANE Select); bases 12 to 13 of the intron after coding-DNA position 862, GG replaced by T.
Molecular consequence: intron variant.
Genome position (GRCh38, 1-based): chr7:44,107,943-44,107,944, GG replaced by T. VCF-style: chr7-44107943-GG-T. GRCh37 (hg19) VCF-style: chr7-44147542-GG-T.
Identifiers: ClinVar variation 4537211 (VCV004537211.1).